The following is an entry in ClinVar:

NM_001012614.2(CTBP1):c.788C>T (p.Ala263Val)

Genes: CTBP1 (C-terminal binding protein 1; minus strand), CTBP1-AS (CTBP1 antisense RNA; plus strand). Cytogenetic location: 4p16.3.
Variant type: single nucleotide variant.
Coding change: c.788C>T on transcript NM_001012614.2 (MANE Select); coding-DNA position 788, C replaced by T.
Protein change: p.Ala263Val; replaces alanine 263 with valine.
Molecular consequence: missense variant.
Genome position (GRCh38, 1-based): chr4:1,214,415, G>A on the plus strand (C>T on the coding strand, the complement: CTBP1 is on the minus strand). VCF-style: chr4-1214415-G-A. GRCh37 (hg19) VCF-style: chr4-1208203-G-A.
Other names: c.821C>T, p.Ala274Val (NM_001328.3, NM_001377186.1); c.788C>T, p.Ala263Val (NM_001377187.1, NM_001377188.1, NM_001377189.1 and 4 more transcripts); short protein forms A263V, A274V.
Identifiers: ClinVar variation 1196693 (VCV001196693.4), dbSNP rs777093230, ClinGen allele CA2804298.

ClinVar aggregate classification (germline): Uncertain significance (1 of 4 stars; one submission).

Allele frequency attached by ClinVar (database versions not stated): ExAC 0.00002; TOPMed 0.00002.
gnomAD v4.1: 1 of 1,579,032 alleles (0.000063%); no homozygotes.

Submission:

GeneDx
Classification: Uncertain significance. Last evaluated: 2022-05-27. Review status: criteria provided, single submitter. Criteria: GeneDx Variant Classification Process June 2021. Collection method: clinical testing. Allele origin: germline. Affected: yes.
Comment: In silico analysis supports that this missense variant has a deleterious effect on protein structure/function; Has not been previously published as pathogenic or benign to our knowledge.